The following is an entry in ClinVar:

ClinVar aggregate classification (germline): Uncertain significance (1 of 4 stars; one submission).

Conditions:
Inborn genetic diseases. Identifiers: MedGen C0950123, MeSH D030342.

Submission:

Ambry Genetics
Classification: Uncertain significance for Inborn genetic diseases. Last evaluated: 2025-10-03. Review status: criteria provided, single submitter. Criteria: Ambry Variant Classification Scheme 2023. Collection method: clinical testing. Allele origin: germline.
Comment: The p.S234N variant (also known as c.701G>A), located in coding exon 8 of the RTEL1 gene, results from a G to A substitution at nucleotide position 701. The serine at codon 234 is replaced by asparagine, an amino acid with highly similar properties. This amino acid position is conserved. In addition, this alteration is predicted to be tolerated by in silico analysis. Based on the available evidence, the clinical significance of this variant remains unclear.

NM_001283009.2(RTEL1):c.701G>A (p.Ser234Asn)

Genes: RTEL1 (regulator of telomere elongation helicase 1; plus strand), RTEL1-TNFRSF6B (RTEL1-TNFRSF6B readthrough (NMD candidate); plus strand). Cytogenetic location: 20q13.33.
Variant type: single nucleotide variant.
Coding change: c.701G>A on transcript NM_001283009.2 (MANE Select); coding-DNA position 701, G replaced by A.
Protein change: p.Ser234Asn; replaces serine 234 with asparagine.
Molecular consequence: missense variant. On other transcripts: non-coding transcript variant (1).
Genome position (GRCh38, 1-based): chr20:63,672,557, G>A. VCF-style: chr20-63672557-G-A. GRCh37 (hg19) VCF-style: chr20-62303910-G-A.
Other names: c.32G>A, p.Ser11Asn (NM_001283010.1); c.701G>A, p.Ser234Asn (NM_016434.4); c.773G>A, p.Ser258Asn (NM_032957.5); short protein forms S11N, S234N, S258N.
Identifiers: ClinVar variation 4629528 (VCV004629528.1).